The following is an entry in ClinVar:

ClinVar aggregate classification (germline): Uncertain significance. Review status: criteria provided, multiple submitters, no conflicts (2 of 4 stars). 2 submissions from 2 submitters: Uncertain significance (2). Last evaluated 2025-10-25.

Conditions:
Familial cancer of breast. Also called: BREAST CANCER, FAMILIAL; Hereditary breast cancer; hereditary breast carcinoma. Identifiers: Orphanet 227535, MedGen C0346153, MONDO:0016419, OMIM 114480. Disease mechanism: loss of function.
Hereditary cancer-predisposing syndrome. Also called: Neoplastic Syndromes, Hereditary; Tumor predisposition; Hereditary Cancer Syndrome; Hereditary neoplastic syndrome. Identifiers: Orphanet 140162, MedGen C0027672, MeSH D009386, MONDO:0015356.

Allele frequency attached by ClinVar (database versions not stated): gnomAD 0.00001.
gnomAD v4.1: 1 of 1,613,918 alleles (0.000062%); no homozygotes.

Submissions (2):

Ambry Genetics
Classification: Uncertain significance for Hereditary cancer-predisposing syndrome. Last evaluated: 2025-10-25. Review status: criteria provided, single submitter. Criteria: Ambry Variant Classification Scheme 2023. Collection method: clinical testing. Allele origin: germline.
Comment: The p.H426D variant (also known as c.1276C>G), located in coding exon 4 of the BARD1 gene, results from a C to G substitution at nucleotide position 1276. The histidine at codon 426 is replaced by aspartic acid, an amino acid with similar properties. This amino acid position is highly conserved in available vertebrate species. In addition, the in silico prediction for this alteration is inconclusive. Since supporting evidence is limited at this time, the clinical significance of this alteration remains unclear.

Labcorp Genetics (formerly Invitae), Labcorp
Classification: Uncertain significance for Familial cancer of breast. Last evaluated: 2022-12-09. Review status: criteria provided, single submitter. Criteria: Invitae Variant Classification Sherloc (09022015). Collection method: clinical testing. Allele origin: germline.
Comment: This variant has not been reported in the literature in individuals affected with BARD1-related conditions. This variant is not present in population databases (gnomAD no frequency). This sequence change replaces histidine, which is basic and polar, with aspartic acid, which is acidic and polar, at codon 426 of the BARD1 protein (p.His426Asp). ClinVar contains an entry for this variant (Variation ID: 187135). In summary, the available evidence is currently insufficient to determine the role of this variant in disease. Therefore, it has been classified as a Variant of Uncertain Significance. Algorithms developed to predict the effect of missense changes on protein structure and function are either unavailable or do not agree on the potential impact of this missense change (SIFT: "Deleterious"; PolyPhen-2: "Benign"; Align-GVGD: "Class C15").

NM_000465.4(BARD1):c.1276C>G (p.His426Asp)

Gene: BARD1 (BRCA1 associated RING domain 1; minus strand). Cytogenetic location: 2q35.
Variant type: single nucleotide variant.
Coding change: c.1276C>G on transcript NM_000465.4 (MANE Select); coding-DNA position 1276, C replaced by G.
Protein change: p.His426Asp; replaces histidine 426 with aspartic acid.
Molecular consequence: missense variant. On other transcripts: non-coding transcript variant (2), intron variant (3).
Genome position (GRCh38, 1-based): chr2:214,780,598, G>C on the plus strand (C>G on the coding strand, the complement: BARD1 is on the minus strand). VCF-style: chr2-214780598-G-C. GRCh37 (hg19) VCF-style: chr2-215645322-G-C.
Other names: c.1219C>G, p.His407Asp (NM_001282543.2); c.159-28043C>G (NM_001282548.2); c.215+16463C>G (NM_001282545.2); c.364+11699C>G (NM_001282549.2); short protein forms H426D, H407D.
Identifiers: ClinVar variation 187135 (VCV000187135.9), dbSNP rs786203499, ClinGen allele CA196820.